The following is an entry in ClinVar:

NM_032119.4(ADGRV1):c.1059G>T (p.Glu353Asp)

Gene: ADGRV1 (adhesion G protein-coupled receptor V1; plus strand). Cytogenetic location: 5q14.3.
Variant type: single nucleotide variant.
Coding change: c.1059G>T on transcript NM_032119.4 (MANE Select); coding-DNA position 1059, G replaced by T.
Protein change: p.Glu353Asp; replaces glutamic acid 353 with aspartic acid.
Molecular consequence: missense variant. On other transcripts: non-coding transcript variant (1).
Genome position (GRCh38, 1-based): chr5:90,627,597, G>T. VCF-style: chr5-90627597-G-T. GRCh37 (hg19) VCF-style: chr5-89923414-G-T.
Other names: short protein forms E353D.
Identifiers: ClinVar variation 4017910 (VCV004017910.3).

ClinVar aggregate classification (germline): Uncertain significance. Review status: criteria provided, multiple submitters, no conflicts (2 of 4 stars). 3 submissions from 3 submitters: Uncertain significance (3). Last evaluated 2025-03-17.

Conditions:
Inborn genetic diseases. Identifiers: MedGen C0950123, MeSH D030342.

gnomAD v4.1: 6 of 1,613,748 alleles (0.00037%); highest among the groups gnomAD compares: African/African-American, 0.0067%; no homozygotes.

Submissions (3):

Ambry Genetics
Classification: Uncertain significance for Inborn genetic diseases. Last evaluated: 2025-03-17. Review status: criteria provided, single submitter. Criteria: Ambry Variant Classification Scheme 2023. Collection method: clinical testing. Allele origin: germline.

Labcorp Genetics (formerly Invitae), Labcorp
Classification: Uncertain significance. Last evaluated: 2025-03-13. Review status: criteria provided, single submitter. Criteria: Invitae Variant Classification Sherloc (09022015). Collection method: clinical testing. Allele origin: germline.
Comment: This sequence change replaces glutamic acid, which is acidic and polar, with aspartic acid, which is acidic and polar, at codon 353 of the ADGRV1 protein (p.Glu353Asp). The frequency data for this variant in the population databases is considered unreliable, as metrics indicate poor data quality at this position in the gnomAD database. This variant has not been reported in the literature in individuals affected with ADGRV1-related conditions. An algorithm developed to predict the effect of missense changes on protein structure and function (PolyPhen-2) suggests that this variant is likely to be disruptive. In summary, the available evidence is currently insufficient to determine the role of this variant in disease. Therefore, it has been classified as a Variant of Uncertain Significance.

Blueprint Genetics
Classification: Uncertain significance. Last evaluated: 2024-07-05. Review status: criteria provided, single submitter. Criteria: ACMG Guidelines, 2015. Collection method: clinical testing. Allele origin: germline.